The following is an entry in ClinVar:

NM_000186.4(CFH):c.2182C>T (p.His728Tyr)

Gene: CFH (complement factor H; plus strand). Cytogenetic location: 1q31.3.
Variant type: single nucleotide variant.
Coding change: c.2182C>T on transcript NM_000186.4 (MANE Select); coding-DNA position 2182, C replaced by T.
Protein change: p.His728Tyr; replaces histidine 728 with tyrosine.
Molecular consequence: missense variant.
Genome position (GRCh38, 1-based): chr1:196,726,886, C>T. VCF-style: chr1-196726886-C-T. GRCh37 (hg19) VCF-style: chr1-196696016-C-T.
Other names: short protein forms H728Y.
Identifiers: ClinVar variation 4291455 (VCV004291455.1).

ClinVar aggregate classification (germline): Uncertain significance (1 of 4 stars; one submission).

Conditions:
Atypical hemolytic-uremic syndrome. Identifiers: Orphanet 2134, MedGen C2931788, MONDO:0016244.
Basal laminar drusen. Also called: DRUSEN OF BRUCH MEMBRANE; DRUSEN, CUTICULAR; DRUSEN, EARLY ADULT-ONSET, GROUPED. Identifiers: Orphanet 75376, MedGen C0730295, MONDO:0007472, OMIM 126700.
Factor H deficiency (CFHD). Also called: COMPLEMENT FACTOR H DEFICIENCY; CFH DEFICIENCY. Identifiers: Orphanet 200421, MedGen C0398777, MONDO:0012350, OMIM 609814.
Age related macular degeneration 4. Identifiers: MedGen C1853147, MONDO:0012540, OMIM 610698.

gnomAD v4.1: 3 of 1,613,690 alleles (0.00019%); highest among the groups gnomAD compares: Non-Finnish European, 0.00025%; no homozygotes.

Submission:

Genomenon, Inc
Classification: Uncertain significance for Basal laminar drusen; Age related macular degeneration 4; Atypical hemolytic-uremic syndrome; Factor H deficiency. Last evaluated: 2025-10-02. Review status: criteria provided, single submitter. Criteria: Genomenon Sequence Variant Interpretation Standards - Updated. Collection method: curation. Allele origin: germline. Affected: no.
Comment: CFH p.His728Tyr (c.2182C>T) is a missense variant that changes the amino acid at residue 728 from Histidine to Tyrosine. This variant has been reported in the published literature (PMID:36211394). It is absent or not present at a significant frequency in gnomAD. In silico models agree that this variant is not damaging. In conclusion, we classify CFH p.His728Tyr (c.2182C>T) as a variant of uncertain significance.

Literature cited by the submitters: PubMed 36211394.